The following is an entry in ClinVar:

ClinVar aggregate classification (germline): Conflicting classifications of pathogenicity. Review status: criteria provided, conflicting classifications (1 of 4 stars). 8 submissions from 8 submitters: Uncertain significance (6); Benign (1); Likely benign (1). Last evaluated 2026-01-19.

Conditions:
Hereditary cancer-predisposing syndrome. Also called: Tumor predisposition; Hereditary Cancer Syndrome; Neoplastic Syndromes, Hereditary; Hereditary neoplastic syndrome. Identifiers: Orphanet 140162, MedGen C0027672, MeSH D009386, MONDO:0015356.
Hereditary breast ovarian cancer syndrome. Also called: Breast and ovarian cancer; Hereditary breast and ovarian cancer; Hereditary breast and ovarian cancer syndrome; Hereditary breast and/or ovarian cancer syndrome; BRCA1- and BRCA2-Associated Hereditary Breast and Ovarian Cancer; Hereditary breast and ovarian cancer syndrome (HBOC). Identifiers: Orphanet 145, MedGen C0677776, MeSH D061325, MONDO:0003582. Disease mechanism: loss of function.
Pancreatic cancer, susceptibility to, 4. Identifiers: Orphanet 1333, MedGen C3280442, MONDO:0013685, OMIM 614320.
Breast-ovarian cancer, familial, susceptibility to, 1 (BROVCA1). Also called: BRCA1 Hereditary Breast and Ovarian Cancer; OVARIAN CANCER, SUSCEPTIBILITY TO. Identifiers: Orphanet 145, MedGen C2676676, MONDO:0011450, OMIM 604370. Disease mechanism: loss of function.
Fanconi anemia, complementation group S (FANCS). Identifiers: MedGen C4554406, MONDO:0054748, OMIM 617883.
BRCA1-related cancer predisposition. Identifiers: MedGen CN377757, MONDO:0700268.

Allele frequency attached by ClinVar (database versions not stated): ExAC 0.00001; gnomAD exomes 0.00001 and 0.00002.
gnomAD v4.1: 5 of 1,614,256 alleles (0.00031%); highest among the groups gnomAD compares: Admixed American, 0.0083%; no homozygotes.

Submissions (8):

Women's Health and Genetics/Laboratory Corporation of America, LabCorp
Classification: Uncertain significance. Last evaluated: 2026-01-19. Review status: criteria provided, single submitter. Criteria: LabCorp Variant Classification Summary - May 2015. Collection method: clinical testing. Allele origin: germline.
Comment: Variant summary: BRCA1 c.3815A>G (p.Asn1272Ser) results in a conservative amino acid change in the encoded protein sequence. Algorithms developed to predict the effect of missense changes on protein structure and function all suggest that this variant is likely to be tolerated. The variant allele was found at a frequency of 2e-05 in 251144 control chromosomes, predominantly at a frequency of 8.7e-05 within the Latino subpopulation in the gnomAD database. The available data on variant occurrences in the general population are insufficient to allow any conclusion about variant significance. c.3815A>G has been observed in individual(s) affected with Hereditary Breast And Ovarian Cancer Syndrome (Lee_2008). These report(s) do not provide unequivocal conclusions about association of the variant with Hereditary Breast And Ovarian Cancer Syndrome. To our knowledge, no experimental evidence demonstrating an impact on protein function has been reported. The following publication have been ascertained in the context of this evaluation (PMID: 18284688). ClinVar contains an entry for this variant (Variation ID: 232792). Based on the evidence outlined above, the variant was classified as uncertain significance.

Labcorp Genetics (formerly Invitae), Labcorp
Classification: Benign for Hereditary breast ovarian cancer syndrome. Last evaluated: 2025-11-11. Review status: criteria provided, single submitter. Criteria: Invitae Variant Classification Sherloc (09022015). Collection method: clinical testing. Allele origin: germline.

Ambry Genetics
Classification: Uncertain significance for Hereditary cancer-predisposing syndrome. Last evaluated: 2025-01-03. Review status: criteria provided, single submitter. Criteria: Ambry Variant Classification Scheme 2023. Collection method: clinical testing. Allele origin: germline.
Comment: The p.N1272S variant (also known as c.3815A>G), located in coding exon 9 of the BRCA1 gene, results from an A to G substitution at nucleotide position 3815. The asparagine at codon 1272 is replaced by serine, an amino acid with highly similar properties. This amino acid position is not well conserved in available vertebrate species. In addition, this alteration is predicted to be tolerated by in silico analysis. Since supporting evidence is limited at this time, the clinical significance of this alteration remains unclear.

All of Us Research Program, National Institutes of Health
Classification: Uncertain significance for BRCA1-related cancer predisposition. Last evaluated: 2024-08-06. Review status: criteria provided, single submitter. Criteria: ACMG Guidelines, 2015. Collection method: clinical testing. Allele origin: germline. Inheritance: Autosomal dominant inheritance. Observed: 3 variant alleles, 3 heterozygotes.
Comment: This missense variant replaces asparagine with serine at codon 1272 of the BRCA1 protein. Computational prediction suggests that this variant may not impact protein structure and function. To our knowledge, functional studies have not been reported for this variant. This variant has not been reported in individuals affected with BRCA1-related disorders in the literature. This variant has been identified in 5/251144 chromosomes in the general population by the Genome Aggregation Database (gnomAD). The available evidence is insufficient to determine the role of this variant in disease conclusively. Therefore, this variant is classified as a Variant of Uncertain Significance.

This study involves interpretation of variants in research participants for the purpose of population health screening. Participant phenotype was not available at the time of variant classification. Additional details can be found in publication PMID: 35346344, PMCID: PMC8962531

Color Diagnostics, LLC DBA Color Health
Classification: Uncertain significance for Hereditary cancer-predisposing syndrome. Last evaluated: 2024-04-02. Review status: criteria provided, single submitter. Criteria: ACMG Guidelines, 2015. Collection method: clinical testing. Allele origin: germline.
Comment: This missense variant replaces asparagine with serine at codon 1272 of the BRCA1 protein. Computational prediction suggests that this variant may not impact protein structure and function. To our knowledge, functional studies have not been reported for this variant. This variant has not been reported in individuals affected with BRCA1-related disorders in the literature. This variant has been identified in 5/251144 chromosomes in the general population by the Genome Aggregation Database (gnomAD). The available evidence is insufficient to determine the role of this variant in disease conclusively. Therefore, this variant is classified as a Variant of Uncertain Significance.

Quest Diagnostics Nichols Institute San Juan Capistrano
Classification: Uncertain significance. Last evaluated: 2024-03-08. Review status: criteria provided, single submitter. Criteria: Quest Diagnostics criteria. Collection method: clinical testing. Allele origin: unknown.
Comment: The BRCA1 c.3815A>G (p.Asn1272Ser) variant has been reported in the published literature in an individual with breast cancer (PMID: 18284688 (2018)) and described to be located in a region of the BRCA1 gene that is tolerant to missense sequence changes (PMID: 31911673 (2020)). The frequency of this variant in the general population, 0.000087 (3/34588 chromosomes (Genome Aggregation Database)), is uninformative in the assessment of its pathogenicity. Analysis of this variant using bioinformatics tools for the prediction of the effect of amino acid changes on protein structure and function yielded predictions that this variant is benign. Based on the available information, we are unable to determine the clinical significance of this variant.

Fulgent Genetics
Classification: Uncertain significance for Breast-ovarian cancer, familial, susceptibility to, 1; Pancreatic cancer, susceptibility to, 4; Fanconi anemia, complementation group S. Last evaluated: 2024-01-18. Review status: criteria provided, single submitter. Criteria: ACMG Guidelines, 2015. Collection method: clinical testing. Allele origin: germline.

University of Washington Department of Laboratory Medicine, University of Washington
Classification: Likely benign for Hereditary cancer-predisposing syndrome. Last evaluated: 2023-03-23. Review status: criteria provided, single submitter. Criteria: Dines et al. (Genet Med. 2020). Collection method: curation. Allele origin: germline.
Comment: Missense variant in a coldspot region where missense variants are very unlikely to be pathogenic (PMID:31911673).

BRCA1 coldspot (exon 11 using historical exon numbering). Reclassification based on statistical prior probability

Literature cited by the submitters: PubMed 18284688 (cited by Women's Health and Genetics/Laboratory Corporation of America, LabCorp and Quest Diagnostics Nichols Institute San Juan Capistrano); PubMed 31911673 (cited by Quest Diagnostics Nichols Institute San Juan Capistrano).

NM_007294.4(BRCA1):c.3815A>G (p.Asn1272Ser)

Genes: BRCA1 (BRCA1 DNA repair associated; minus strand), LOC126862571 (BRD4-independent group 4 enhancer GRCh37_chr17:41243136-41244335; plus strand). Cytogenetic location: 17q21.31.
Variant type: single nucleotide variant.
Coding change: c.3815A>G on transcript NM_007294.4 (MANE Select); coding-DNA position 3815, A replaced by G.
Protein change: p.Asn1272Ser; replaces asparagine 1272 with serine.
Molecular consequence: missense variant. On other transcripts: intron variant (135).
Genome position (GRCh38, 1-based): chr17:43,091,716, T>C on the plus strand (A>G on the coding strand, the complement: BRCA1 is on the minus strand). VCF-style: chr17-43091716-T-C. GRCh37 (hg19) VCF-style: chr17-41243733-T-C.
Other names: c.3602A>G, p.Asn1201Ser (NM_001407571.1, NM_001407853.1, NM_001407894.1 and 9 more transcripts); c.3815A>G, p.Asn1272Ser (NM_001407581.1, NM_001407582.1, NM_001407583.1 and 30 more transcripts); c.3812A>G, p.Asn1271Ser (NM_001407587.1, NM_001407590.1, NM_001407591.1 and 22 more transcripts); c.3806A>G, p.Asn1269Ser (NM_001407646.1, NM_001407647.1); c.3692A>G, p.Asn1231Ser (NM_001407648.1, NM_001407664.1, NM_001407665.1 and 19 more transcripts); c.3689A>G, p.Asn1230Ser (NM_001407649.1, NM_001407670.1, NM_001407671.1 and 11 more transcripts); c.3737A>G, p.Asn1246Ser (NM_001407653.1, NM_001407654.1, NM_001407655.1 and 4 more transcripts); c.3734A>G, p.Asn1245Ser (NM_001407659.1, NM_001407660.1, NM_001407661.1 and 1 more transcripts); and 41 more; short protein forms N1272S, N1225S, N1183S, N1201S, N1231S, N1271S, N976S, N1144S.
Identifiers: ClinVar variation 232792 (VCV000232792.36), dbSNP rs772703445, ClinGen allele CA059173.